The following is an entry in ClinVar:

NM_000352.6(ABCC8):c.1973del (p.Gly658fs)

Gene: ABCC8 (ATP binding cassette subfamily C member 8; minus strand). Cytogenetic location: 11p15.1.
Variant type: Deletion.
Coding change: c.1973del on transcript NM_000352.6 (MANE Select); coding-DNA position 1973, one base deleted (G; older notation c.1973delG).
Protein change: p.Gly658fs; shifts the reading frame from glycine 658.
Molecular consequence: frameshift variant. On other transcripts: non-coding transcript variant (1).
Genome position (GRCh38, 1-based): chr11:17,428,356, C deleted on the plus strand (G on the coding strand, the reverse complement: ABCC8 is on the minus strand); the first of 4 consecutive C bases (chr11:17,428,356-17,428,359); deleting any one gives the same sequence. VCF-style (leftmost placement, unchanged base first): chr11-17428355-GC-G. GRCh37 (hg19) VCF-style: chr11-17449902-GC-G.
Other names: c.1973del, p.Gly658fs (NM_001287174.3); c.2039del, p.Gly680fs (NM_001351295.2); c.1970del, p.Gly657fs (NM_001351296.2, NM_001351297.2); short protein forms G657fs, G658fs, G680fs.
Identifiers: ClinVar variation 1724457 (VCV001724457.2), dbSNP rs2496668119, ClinGen allele CA2580082772.
Genomic context (GRCh38, chr11:17,428,355, plus strand): 5'-ACAGCAGTTGTCAGCATCGCCATCTGCACTGGGGACCAGGCTCTGCAGTGGGCCGGTGAG[GC>G]CCCGACAATCCTCCCGGGCTGGACGCTTGCGGTTCACAACCCTGAGGGGCTGGGGGTGGT-3'

ClinVar aggregate classification (germline): Likely pathogenic (1 of 4 stars; one submission).

Conditions:
Hyperinsulinemic hypoglycemia, familial, 1 (HHF1). Also called: HYPERINSULINISM, FAMILIAL, WITH PANCREATIC NESIDIOBLASTOSIS; HYPOGLYCEMIA, HYPERINSULINEMIC, OF INFANCY; NESIDIOBLASTOSIS OF PANCREAS; Persistent hyperinsulinemic hypoglycemia of infancy; Persistent Hyperinsulinemia Hypoglycemia of Infancy. Identifiers: Orphanet 276575, Orphanet 276598, MedGen C2931832, MONDO:0009734, OMIM 256450.

Submission:

Myriad Genetics, Inc.
Classification: Likely pathogenic for Hyperinsulinemic hypoglycemia, familial, 1. Last evaluated: 2022-02-17. Review status: criteria provided, single submitter. Criteria: Myriad Women's Health Autosomal Recessive and X-Linked Classification Criteria (2021). Collection method: clinical testing. Allele origin: unknown.
Comment: NM_000352.3(ABCC8):c.1973delG(G658Afs*51) is expected to be pathogenic in the context of familial hyperinsulinism, ABCC8-related. This variant is predicted to lead to an abnormal or absent protein product due to the creation of a premature termination codon in ABCC8, a gene where loss-of-function variants are known to be pathogenic. Please note: this variant was assessed in the context of healthy population screening.